The following is an entry in ClinVar:

ClinVar aggregate classification (germline): Likely benign. Review status: criteria provided, multiple submitters, no conflicts (2 of 4 stars). 3 submissions from 3 submitters: Likely benign (3). Last evaluated 2026-03-25.

Conditions:
Familial hypercholesterolemia. Also called: Familial hypercholesterolaemia; Familial hypercholesterolemias. Identifiers: MedGen C0020445, MONDO:0005439.
Familial hypobetalipoproteinemia 1. Also called: Hypobetalipoproteinemia, normotriglyceridemic; Acanthocytosis with hypobetalipoproteinemia; APOB-Related Familial Hypobetalipoproteinemia. Identifiers: MedGen C4551990, MONDO:0014252, OMIM 615558.
Hypercholesterolemia, autosomal dominant, type B (FHCL2). Also called: Familial Hypercholesterolemia Type B; APOLIPOPROTEIN B-100, FAMILIAL DEFECTIVE; APOLIPOPROTEIN B-100, FAMILIAL LIGAND-DEFECTIVE; HYPERCHOLESTEROLEMIA, FAMILIAL, DUE TO LIGAND-DEFECTIVE APOLIPOPROTEIN B; Hyperlipoproteinemia Type IIb; APOB-Related Familial Hypercholesterolemia, Autosomal Dominant. Identifiers: MedGen C1704417, MONDO:0007751, OMIM 144010.
Cardiovascular phenotype. Identifiers: MedGen CN230736.

Allele frequency attached by ClinVar (database versions not stated): gnomAD 0.00001; gnomAD exomes 0.00002; ExAC 0.00003; ESP Exome Variant Server 0.00008.
gnomAD v4.1: 26 of 1,613,812 alleles (0.0016%); highest among the groups gnomAD compares: South Asian, 0.0033%; no homozygotes.

Submissions (3):

GENinCode PLC
Classification: Likely benign for Familial hypercholesterolemia. Last evaluated: 2026-03-25. Review status: criteria provided, single submitter. Criteria: ACMG Guidelines, 2015. Collection method: clinical testing. Allele origin: germline.
Comment: This is a synonymous (silent) variant that is not predicted to impact splicing and occurs at a nucleotide which is not highly conserved. This variant has been classified as Likely Benign (BP4, BP7).

Labcorp Genetics (formerly Invitae), Labcorp
Classification: Likely benign for Familial hypobetalipoproteinemia 1; Hypercholesterolemia, autosomal dominant, type B. Last evaluated: 2023-07-17. Review status: criteria provided, single submitter. Criteria: Invitae Variant Classification Sherloc (09022015). Collection method: clinical testing. Allele origin: germline.

Ambry Genetics
Classification: Likely benign for Cardiovascular phenotype. Last evaluated: 2023-05-11. Review status: criteria provided, single submitter. Criteria: Ambry Variant Classification Scheme 2023. Collection method: clinical testing. Allele origin: germline.

NM_000384.3(APOB):c.13608G>A (p.Thr4536=)

Genes: APOB (apolipoprotein B; minus strand), APOB3'MAR (APOB 3' scaffold/matrix attachment region; plus strand). Cytogenetic location: 2p24.1.
Variant type: single nucleotide variant.
Coding change: c.13608G>A on transcript NM_000384.3 (MANE Select); coding-DNA position 13608, G replaced by A.
Protein change: p.Thr4536=; no amino-acid change (threonine 4536 retained).
Molecular consequence: synonymous variant.
Genome position (GRCh38, 1-based): chr2:21,001,814, C>T on the plus strand (G>A on the coding strand, the complement: APOB is on the minus strand). VCF-style: chr2-21001814-C-T. GRCh37 (hg19) VCF-style: chr2-21224686-C-T.
Other names: c.13608G>A (NM_000384.2).
Identifiers: ClinVar variation 1503285 (VCV001503285.8), dbSNP rs377641527, ClinGen allele CA053339.